The following is an entry in ClinVar:

NM_014415.4(ZBTB11):c.2645-4_2645-3del

Gene: ZBTB11 (zinc finger and BTB domain containing 11; minus strand). Cytogenetic location: 3q12.3.
Variant type: Deletion.
Coding change: c.2645-4_2645-3del on transcript NM_014415.4 (MANE Select); 4 bases into the intron before coding-DNA position 2645 through 3 bases into the intron before coding-DNA position 2645, 2 bases deleted (TT; older notation c.2645-4_2645-3delTT).
Molecular consequence: intron variant.
Genome position (GRCh38, 1-based): chr3:101,651,686-101,651,687, AA deleted on the plus strand (TT on the coding strand, the reverse complement: ZBTB11 is on the minus strand); deleting any 2 consecutive bases within chr3:101,651,686-101,651,703 gives the same sequence; the c. name uses the placement nearest the transcript's 3' end. VCF-style (leftmost placement, unchanged base first): chr3-101651685-TAA-T. GRCh37 (hg19) VCF-style: chr3-101370529-TAA-T.
Other names: NC_000003.11:g.101370546_101370547del; c.2645-20_2645-19del (NM_014415.4).
Identifiers: ClinVar variation 3060760 (VCV003060760.3), dbSNP rs56200814, ClinGen allele CA2520867.

ClinVar aggregate classification (germline): Likely benign (0 of 4 stars; one submission).

Conditions:
ZBTB11-related disorder. Also called: ZBTB11-related condition.

Submissions (11):

PreventionGenetics, part of Exact Sciences
Classification: Likely benign for ZBTB11-related condition. Last evaluated: 2019-10-24. Review status: no assertion criteria provided. Collection method: clinical testing. Allele origin: germline.
Comment: This variant is classified as likely benign based on ACMG/AMP sequence variant interpretation guidelines (Richards et al. 2015 PMID: 25741868, with internal and published modifications).

Dr. Peter K. Rogan Lab, Western University
No classification provided (evidence only). Condition: Adrenocortical carcinoma, hereditary. Review status: no classification provided. Collection method: in vitro. Allele origin: not applicable. Functional consequence: retained intron. Not counted in ClinVar's aggregate classification.

Dr. Peter K. Rogan Lab, Western University
No classification provided (evidence only). Condition: Familial cancer of breast. Review status: no classification provided. Collection method: in vitro. Allele origin: not applicable. Functional consequence: retained intron. Not counted in ClinVar's aggregate classification.

Dr. Peter K. Rogan Lab, Western University
No classification provided (evidence only). Condition: Cholangiocarcinoma. Review status: no classification provided. Collection method: in vitro. Allele origin: not applicable. Functional consequence: retained intron. Not counted in ClinVar's aggregate classification.

Dr. Peter K. Rogan Lab, Western University
No classification provided (evidence only). Condition: Colon adenocarcinoma. Review status: no classification provided. Collection method: in vitro. Allele origin: not applicable. Functional consequence: retained intron. Not counted in ClinVar's aggregate classification.

Dr. Peter K. Rogan Lab, Western University
No classification provided (evidence only). Condition: Papillary renal cell carcinoma type 1. Review status: no classification provided. Collection method: in vitro. Allele origin: not applicable. Functional consequence: retained intron. Not counted in ClinVar's aggregate classification.

Dr. Peter K. Rogan Lab, Western University
No classification provided (evidence only). Condition: Papillary renal cell carcinoma type 1. Review status: no classification provided. Collection method: in vitro. Allele origin: not applicable. Functional consequence: retained intron. Not counted in ClinVar's aggregate classification.

Dr. Peter K. Rogan Lab, Western University
No classification provided (evidence only). Condition: Hepatocellular carcinoma. Review status: no classification provided. Collection method: in vitro. Allele origin: not applicable. Functional consequence: retained intron. Not counted in ClinVar's aggregate classification.

Dr. Peter K. Rogan Lab, Western University
No classification provided (evidence only). Condition: Hepatocellular carcinoma. Review status: no classification provided. Collection method: in vitro. Allele origin: not applicable. Functional consequence: retained intron. Not counted in ClinVar's aggregate classification.

Dr. Peter K. Rogan Lab, Western University
No classification provided (evidence only). Condition: Malignant tumor of esophagus. Review status: no classification provided. Collection method: in vitro. Allele origin: not applicable. Functional consequence: retained intron. Not counted in ClinVar's aggregate classification.

Dr. Peter K. Rogan Lab, Western University
No classification provided (evidence only). Condition: Malignant tumor of esophagus. Review status: no classification provided. Collection method: in vitro. Allele origin: not applicable. Functional consequence: retained intron. Not counted in ClinVar's aggregate classification.